The following is an entry in ClinVar:

NM_144670.6(A2ML1):c.931C>G (p.Gln311Glu)

Gene: A2ML1 (alpha-2-macroglobulin like 1; plus strand). Cytogenetic location: 12p13.31.
Variant type: single nucleotide variant.
Coding change: c.931C>G on transcript NM_144670.6 (MANE Select); coding-DNA position 931, C replaced by G.
Protein change: p.Gln311Glu; replaces glutamine 311 with glutamic acid.
Molecular consequence: missense variant.
Genome position (GRCh38, 1-based): chr12:8,838,411, C>G. VCF-style: chr12-8838411-C-G. GRCh37 (hg19) VCF-style: chr12-8991007-C-G.
Other names: c.931C>G (NM_144670.3); short protein forms Q311E.
Identifiers: ClinVar variation 1055791 (VCV001055791.10), dbSNP rs1440325153, ClinGen allele CA383823431.

ClinVar aggregate classification (germline): Uncertain significance. Review status: criteria provided, multiple submitters, no conflicts (2 of 4 stars). 2 submissions from 2 submitters: Uncertain significance (2). Last evaluated 2026-01-06.

Submissions (2):

Ambry Genetics
Classification: Uncertain significance. Last evaluated: 2026-01-06. Review status: criteria provided, single submitter. Criteria: Ambry Variant Classification Scheme 2023. Collection method: clinical testing. Allele origin: germline.
Comment: The p.Q311E variant (also known as c.931C>G), located in coding exon 9 of the A2ML1 gene, results from a C to G substitution at nucleotide position 931. The glutamine at codon 311 is replaced by glutamic acid, an amino acid with highly similar properties. This amino acid position is conserved. In addition, this alteration is predicted to be tolerated by in silico analysis. Based on the available evidence, the clinical significance of this variant remains unclear.

Labcorp Genetics (formerly Invitae), Labcorp
Classification: Uncertain significance. Last evaluated: 2025-03-25. Review status: criteria provided, single submitter. Criteria: Invitae Variant Classification Sherloc (09022015). Collection method: clinical testing. Allele origin: germline.
Comment: This sequence change replaces glutamine, which is neutral and polar, with glutamic acid, which is acidic and polar, at codon 311 of the A2ML1 protein (p.Gln311Glu). This variant is not present in population databases (gnomAD no frequency). This variant has not been reported in the literature in individuals affected with A2ML1-related conditions. ClinVar contains an entry for this variant (Variation ID: 1055791). An algorithm developed to predict the effect of missense changes on protein structure and function (PolyPhen-2) suggests that this variant is likely to be tolerated. In summary, the available evidence is currently insufficient to determine the role of this variant in disease. Therefore, it has been classified as a Variant of Uncertain Significance.